The following is an entry in ClinVar:

NM_012293.3(PXDN):c.3355_3356del (p.Arg1119fs)

Gene: PXDN (peroxidasin; minus strand). Cytogenetic location: 2p25.3.
Variant type: Deletion.
Coding change: c.3355_3356del on transcript NM_012293.3 (MANE Select); coding-DNA positions 3355 to 3356, 2 bases deleted (AG; older notation c.3355_3356delAG).
Protein change: p.Arg1119fs; shifts the reading frame from arginine 1119.
Molecular consequence: frameshift variant.
Genome position (GRCh38, 1-based): chr2:1,648,424-1,648,425, CT deleted on the plus strand (AG on the coding strand, the reverse complement: PXDN is on the minus strand). VCF-style (leftmost placement, unchanged base first): chr2-1648423-CCT-C. GRCh37 (hg19) VCF-style: chr2-1652195-CCT-C.
Other names: p.Arg1119GlyfsTer72; short protein forms R1119fs.
Identifiers: ClinVar variation 3255593 (VCV003255593.2).

ClinVar aggregate classification (germline): Likely pathogenic (1 of 4 stars; one submission).

Conditions:
Anterior segment dysgenesis 7 (ASGD7). Also called: SCLEROCORNEA WITH OTHER OCULAR ANOMALIES; Anterior segment dysgenesis 7, with sclerocornea. Identifiers: Orphanet 289499, MedGen C3151617, MONDO:0010015, OMIM 269400.

Submission:

Breakthrough Genomics
Classification: Likely pathogenic for Anterior segment dysgenesis 7. Last evaluated: 2020-07-09. Review status: criteria provided, single submitter. Criteria: ACMG Guidelines, 2015. Collection method: clinical testing. Allele origin: germline. Affected: yes.
Comment: This variant was previously reported (as R1119GfsX72; c.3355_3356delAG in the article) in a cohort study involving Middle Eastern patients with Mendelian disorders, mainly neurocognitive phenotypes and was classified as ‘likely pathogenic’ variant [PMID: 26077850].